The following is an entry in ClinVar:

ClinVar aggregate classification (germline): Uncertain significance. Review status: criteria provided, multiple submitters, no conflicts (2 of 4 stars). 4 submissions from 4 submitters: Uncertain significance (4). Last evaluated 2025-10-22.

Conditions:
Inborn genetic diseases. Identifiers: MedGen C0950123, MeSH D030342.

Allele frequency attached by ClinVar (database versions not stated): gnomAD exomes 0.00015; 1000 Genomes Project 30x 0.00016; 1000 Genomes Project 0.00020; ExAC 0.00024; ESP Exome Variant Server 0.00025.
gnomAD v4.1: 541 of 1,610,446 alleles (0.034%); highest among the groups gnomAD compares: Non-Finnish European, 0.044%; no homozygotes.

Submissions (4):

Ambry Genetics
Classification: Uncertain significance for Inborn genetic diseases. Last evaluated: 2025-10-22. Review status: criteria provided, single submitter. Criteria: Ambry Variant Classification Scheme 2023. Collection method: clinical testing. Allele origin: germline.

Labcorp Genetics (formerly Invitae), Labcorp
Classification: Uncertain significance. Last evaluated: 2025-08-31. Review status: criteria provided, single submitter. Criteria: Invitae Variant Classification Sherloc (09022015). Collection method: clinical testing. Allele origin: germline.
Comment: This sequence change replaces serine, which is neutral and polar, with phenylalanine, which is neutral and non-polar, at codon 971 of the RTTN protein (p.Ser971Phe). This variant is present in population databases (rs201796504, gnomAD 0.03%). This variant has not been reported in the literature in individuals affected with RTTN-related conditions. ClinVar contains an entry for this variant (Variation ID: 1254007). Invitae Evidence Modeling of protein sequence and biophysical properties (such as structural, functional, and spatial information, amino acid conservation, physicochemical variation, residue mobility, and thermodynamic stability) indicates that this missense variant is not expected to disrupt RTTN protein function with a negative predictive value of 80%. In summary, the available evidence is currently insufficient to determine the role of this variant in disease. Therefore, it has been classified as a Variant of Uncertain Significance.

Women's Health and Genetics/Laboratory Corporation of America, LabCorp
Classification: Uncertain significance. Last evaluated: 2025-02-17. Review status: criteria provided, single submitter. Criteria: LabCorp Variant Classification Summary - May 2015. Collection method: clinical testing. Allele origin: germline.
Comment: Variant summary: RTTN c.2912C>T (p.Ser971Phe) results in a non-conservative amino acid change in the encoded protein sequence. Four of five in-silico tools predict a benign effect of the variant on protein function. The variant allele was found at a frequency of 0.00015 in 246442 control chromosomes. This frequency is not significantly higher than estimated for a pathogenic variant in RTTN causing Microcephalic Primordial Dwarfism Due To RTTN Deficiency, allowing no conclusion about variant significance. To our knowledge, no occurrence of c.2912C>T in individuals affected with Microcephalic Primordial Dwarfism Due To RTTN Deficiency and no experimental evidence demonstrating its impact on protein function have been reported. ClinVar contains an entry for this variant (Variation ID: 1254007). Based on the evidence outlined above, the variant was classified as uncertain significance.

GeneDx
Classification: Uncertain significance. Last evaluated: 2021-08-23. Review status: criteria provided, single submitter. Criteria: GeneDx Variant Classification Process June 2021. Collection method: clinical testing. Allele origin: germline. Affected: yes.
Comment: In silico analysis supports that this missense variant does not alter protein structure/function; Has not been previously published as pathogenic or benign to our knowledge; This variant is associated with the following publications: (PMID: 22939636)

NM_173630.4(RTTN):c.2912C>T (p.Ser971Phe)

Gene: RTTN (rotatin; minus strand). Cytogenetic location: 18q22.2.
Variant type: single nucleotide variant.
Coding change: c.2912C>T on transcript NM_173630.4 (MANE Select); coding-DNA position 2912, C replaced by T.
Protein change: p.Ser971Phe; replaces serine 971 with phenylalanine.
Molecular consequence: missense variant.
Genome position (GRCh38, 1-based): chr18:70,134,515, G>A on the plus strand (C>T on the coding strand, the complement: RTTN is on the minus strand). VCF-style: chr18-70134515-G-A. GRCh37 (hg19) VCF-style: chr18-67801751-G-A.
Other names: c.176C>T, p.Ser59Phe (NM_001318520.2); short protein forms S59F, S971F.
Identifiers: ClinVar variation 1254007 (VCV001254007.8), dbSNP rs201796504, ClinGen allele CA8995715.